The following is an entry in ClinVar:

ClinVar aggregate classification (germline): Pathogenic (1 of 4 stars; one submission).

Conditions:
Mucopolysaccharidosis, MPS-II (MPS2). Also called: Hunter Syndrome; IDURONATE 2-SULFATASE DEFICIENCY; Mucopolysaccharidosis Type II; Mucopolysaccharidosis type 2; Attenuated MPS (subtype; formerly known as mild MPS II); Severe MPS II. Identifiers: Orphanet 580, Orphanet 79388, MedGen C0026705, MONDO:0010674, OMIM 309900.

Submission:

Laboratory of Diagnosis and Therapy of Lysosomal Disorders, University of Padova
Classification: Pathogenic for Mucopolysaccharidosis, MPS-II. Last evaluated: 2024-06-07. Review status: criteria provided, single submitter. Criteria: ACMG Guidelines, 2015. Collection method: literature only. Allele origin: germline. Affected: yes. Observed: 2 variant alleles.
Comment: Null variant (PVS1_VeryStrong), De novo (PS2_Moderate), In vitro or in vivo functional studies supportive of a damaging effect (PS3_Strong), Absent from controls (or at low frequency) in gnomAD database (PM2_Moderate), Patient’s phenotype or family history highly specific for the disease (PP4_Strong)

Classification method: ACMG Guidelines [PMID:25741868] with modifications

Literature cited by the submitters: PubMed 22976768.

NM_000202.8(IDS):c.1035G>A (p.Trp345Ter)

Genes: IDS (iduronate 2-sulfatase; minus strand), LOC106050102 (IDS recombination region; plus strand). Cytogenetic location: Xq28.
Variant type: single nucleotide variant.
Coding change: c.1035G>A on transcript NM_000202.8 (MANE Select); coding-DNA position 1035, G replaced by A.
Protein change: p.Trp345Ter; replaces tryptophan 345 with a stop codon.
Molecular consequence: nonsense.
Genome position (GRCh38, 1-based): chrX:149,487,070, C>T on the plus strand (G>A on the coding strand, the complement: IDS is on the minus strand). VCF-style: chrX-149487070-C-T. GRCh37 (hg19) VCF-style: chrX-148568601-C-T.
Other names: c.765G>A, p.Trp255Ter (NM_001166550.4); short protein forms W255*, W345*.
Identifiers: ClinVar variation 3255936 (VCV003255936.2).